The following is an entry in ClinVar:

ClinVar aggregate classification (germline): Uncertain significance (1 of 4 stars; one submission).

Conditions:
Inborn genetic diseases. Identifiers: MedGen C0950123, MeSH D030342.

gnomAD v4.1: 1 of 1,607,314 alleles (0.000062%); highest among the groups gnomAD compares: African/African-American, 0.0014%; no homozygotes.

Submission:

Ambry Genetics
Classification: Uncertain significance for Inborn genetic diseases. Last evaluated: 2025-03-09. Review status: criteria provided, single submitter. Criteria: Ambry Variant Classification Scheme 2023. Collection method: clinical testing. Allele origin: germline.
Comment: The p.V388A variant (also known as c.1163T>C), located in coding exon 5 of the SH2B3 gene, results from a T to C substitution at nucleotide position 1163. The valine at codon 388 is replaced by alanine, an amino acid with similar properties. This amino acid position is conserved. In addition, the in silico prediction for this alteration is inconclusive. Based on the available evidence, the clinical significance of this variant remains unclear.

NM_005475.3(SH2B3):c.1163T>C (p.Val388Ala)

Gene: SH2B3 (SH2B adaptor protein 3; plus strand). Cytogenetic location: 12q24.12.
Variant type: single nucleotide variant.
Coding change: c.1163T>C on transcript NM_005475.3 (MANE Select); coding-DNA position 1163, T replaced by C.
Protein change: p.Val388Ala; replaces valine 388 with alanine.
Molecular consequence: missense variant.
Genome position (GRCh38, 1-based): chr12:111,447,471, T>C. VCF-style: chr12-111447471-T-C. GRCh37 (hg19) VCF-style: chr12-111885275-T-C.
Other names: c.557T>C, p.Val186Ala (NM_001291424.1); short protein forms V388A, V186A.
Identifiers: ClinVar variation 3795245 (VCV003795245.1).